The following is an entry in ClinVar:

NM_001374736.1(DST):c.3985C>T (p.Arg1329Ter)

Gene: DST (dystonin; minus strand). Cytogenetic location: 6p12.1.
Variant type: single nucleotide variant.
Coding change: c.3985C>T on transcript NM_001374736.1 (MANE Select); coding-DNA position 3985, C replaced by T.
Protein change: p.Arg1329Ter; replaces arginine 1329 with a stop codon.
Molecular consequence: nonsense.
Genome position (GRCh38, 1-based): chr6:56,631,368, G>A on the plus strand (C>T on the coding strand, the complement: DST is on the minus strand). VCF-style: chr6-56631368-G-A. GRCh37 (hg19) VCF-style: chr6-56496166-G-A.
Other names: c.3886C>T, p.Arg1296Ter (NM_001144769.5); c.3472C>T, p.Arg1158Ter (NM_001144770.2); c.3985C>T, p.Arg1329Ter (NM_001374722.1); c.3352C>T, p.Arg1118Ter (NM_001374729.1, NM_001374730.1, NM_001386100.1 and 1 more transcripts); c.4012C>T, p.Arg1338Ter (NM_001374734.1); c.2374C>T, p.Arg792Ter (NM_001723.7, NM_015548.5); short protein forms R1118*, R1158*, R1296*, R1329*, R1338*, R792*.
Identifiers: ClinVar variation 3761945 (VCV003761945.2).

ClinVar aggregate classification (germline): Pathogenic (1 of 4 stars; one submission).

Conditions:
Epidermolysis bullosa simplex 3, localized or generalized intermediate, with BP230 deficiency (EBS3). Also called: Epidermolysis bullosa simplex due to BP230 deficiency; Epidermolysis bullosa simplex, autosomal recessive 2. Identifiers: Orphanet 412181, MedGen C3809470, MONDO:0014180, OMIM 615425.
Hereditary sensory and autonomic neuropathy type 6. Also called: Neuropathy, hereditary sensory and autonomic, type VI; HSAN VI. Identifiers: Orphanet 314381, MedGen C3539003, MONDO:0013839, OMIM 614653.

gnomAD v4.1: 3 of 1,613,648 alleles (0.00019%); highest among the groups gnomAD compares: Non-Finnish European, 0.00025%; no homozygotes.

Submission:

Labcorp Genetics (formerly Invitae), Labcorp
Classification: Pathogenic for Epidermolysis bullosa simplex 3, localized or generalized intermediate, with BP230 deficiency; Hereditary sensory and autonomic neuropathy type 6. Last evaluated: 2024-07-08. Review status: criteria provided, single submitter. Criteria: Invitae Variant Classification Sherloc (09022015). Collection method: clinical testing. Allele origin: germline.
Comment: This sequence change creates a premature translational stop signal (p.Arg792*) in the DST gene. It is expected to result in an absent or disrupted protein product. Loss-of-function variants in DST are known to be pathogenic (PMID: 22522446, 25059916, 30371979). This variant is not present in population databases (gnomAD no frequency). This premature translational stop signal has been observed in individual(s) with DST-related conditions (PMID: 28767192). This variant is also known as c.3886A>G, p.R1296*. For these reasons, this variant has been classified as Pathogenic.

Literature cited by the submitters: PubMed 22522446; PubMed 25059916; PubMed 30371979; PubMed 28767192.